The following is an entry in ClinVar:

ClinVar aggregate classification (germline): Benign. Review status: criteria provided, multiple submitters, no conflicts (2 of 4 stars). 2 submissions from 2 submitters: Benign (2). Last evaluated 2018-01-13.

Conditions:
Auriculocondylar syndrome 2 (ARCND2A). Also called: AURICULOCONDYLAR SYNDROME 2A. Identifiers: Orphanet 137888, MedGen C3553404, MONDO:0013845, OMIM 614669.

Allele frequency attached by ClinVar (database versions not stated): 1000 Genomes Project 0.01318; 1000 Genomes Project 30x 0.01390; gnomAD exomes 0.01577; gnomAD 0.02136 and 0.02205; TOPMed 0.02367.
gnomAD v4.1: 3,361 of 152,646 alleles (2.2%); highest among the groups gnomAD compares: Middle Eastern, 4.1%; 64 homozygotes.

Submissions (2):

Illumina Laboratory Services, Illumina
Classification: Benign for Auriculocondylar syndrome 2. Last evaluated: 2018-01-13. Review status: criteria provided, single submitter. Criteria: ICSL Variant Classification Criteria 13 December 2019. Collection method: clinical testing. Allele origin: germline.
Comment: This variant was observed in the ICSL laboratory as part of a predisposition screen in an ostensibly healthy population. It had not been previously curated by ICSL or reported in the Human Gene Mutation Database (HGMD: prior to June 1st, 2018), and was therefore a candidate for classification through an automated scoring system. Utilizing variant allele frequency, disease prevalence and penetrance estimates, and inheritance mode, an automated score was calculated to assess if this variant is too frequent to cause the disease. Based on the score and internal cut-off values, a variant classified as benign is not then subjected to further curation. The score for this variant resulted in a classification of benign for this disease.

Breakthrough Genomics
Classification: Benign. Review status: criteria provided, single submitter. Criteria: ACMG Guidelines, 2015. Collection method: not provided. Allele origin: germline. Inheritance: Autosomal dominant inheritance. Affected: yes.

NM_001377142.1(PLCB4):c.*738G>A

Gene: PLCB4 (phospholipase C beta 4; plus strand). Cytogenetic location: 20p12.2.
Variant type: single nucleotide variant.
Coding change: c.*738G>A on transcript NM_001377142.1 (MANE Select); 738 bases downstream of the stop codon, G replaced by A.
Molecular consequence: 3 prime UTR variant.
Genome position (GRCh38, 1-based): chr20:9,479,747, G>A. VCF-style: chr20-9479747-G-A. GRCh37 (hg19) VCF-style: chr20-9460394-G-A.
Other names: c.*738G>A (NM_000933.4, NM_001377134.2, NM_001377135.1 and 1 more transcripts); c.*758G>A (NM_001172646.2, NM_001377136.1, NM_182797.3).
Identifiers: ClinVar variation 339605 (VCV000339605.6), dbSNP rs41275612, ClinGen allele CA10653473.